The following is an entry in ClinVar:

ClinVar aggregate classification (germline): Uncertain significance. Review status: criteria provided, multiple submitters, no conflicts (2 of 4 stars). 4 submissions from 4 submitters: Uncertain significance (4). Last evaluated 2026-03-11.

Allele frequency attached by ClinVar (database versions not stated): gnomAD 0.00001; gnomAD exomes 0.00003 and 0.00004; TOPMed 0.00003; ExAC 0.00025.

Submissions (4):

Women's Health and Genetics/Laboratory Corporation of America, LabCorp
Classification: Uncertain significance. Last evaluated: 2026-03-11. Review status: criteria provided, single submitter. Criteria: LabCorp Variant Classification Summary - May 2015. Collection method: clinical testing. Allele origin: germline.
Comment: Variant summary: ZNF469 c.9448G>A (p.Glu3150Lys) results in a conservative amino acid change in the encoded protein sequence. Algorithms developed to predict the effect of missense changes on protein structure and function all suggest that this variant is likely to be tolerated. The variant allele was found at a frequency of 3.7e-05 in 108088 control chromosomes. The available data on variant occurrences in the general population are insufficient to allow any conclusion about variant significance. To our knowledge, no occurrence of c.9448G>A in individuals affected with ZNF469-related conditions and no experimental evidence demonstrating its impact on protein function have been reported. ClinVar contains an entry for this variant (Variation ID: 429827). Based on the evidence outlined above, the variant was classified as uncertain significance.

CeGaT Center for Human Genetics Tuebingen
Classification: Uncertain significance. Last evaluated: 2024-06-01. Review status: criteria provided, single submitter. Criteria: CeGaT Center For Human Genetics Tuebingen Variant Classification Criteria Version 2. Collection method: clinical testing. Allele origin: germline. Affected: yes. Observed: 1 variant allele.
Comment: ZNF469: PM2

Labcorp Genetics (formerly Invitae), Labcorp
Classification: Uncertain significance. Last evaluated: 2022-07-12. Review status: criteria provided, single submitter. Criteria: Invitae Variant Classification Sherloc (09022015). Collection method: clinical testing. Allele origin: germline.
Comment: This sequence change replaces glutamic acid, which is acidic and polar, with lysine, which is basic and polar, at codon 3122 of the ZNF469 protein (p.Glu3122Lys). This variant is present in population databases (rs777096338, gnomAD 0.03%). This variant has not been reported in the literature in individuals affected with ZNF469-related conditions. ClinVar contains an entry for this variant (Variation ID: 429827). Algorithms developed to predict the effect of missense changes on protein structure and function are either unavailable or do not agree on the potential impact of this missense change (SIFT: "Deleterious"; PolyPhen-2: "Probably Damaging"; Align-GVGD: "Class C0"). In summary, the available evidence is currently insufficient to determine the role of this variant in disease. Therefore, it has been classified as a Variant of Uncertain Significance.

GeneDx
Classification: Uncertain significance. Last evaluated: 2017-05-15. Review status: criteria provided, single submitter. Criteria: GeneDx Variant Classification (06012015). Collection method: clinical testing. Allele origin: germline. Affected: yes.
Comment: The E3122K variant of uncertain significance in the ZNF469 gene has not been published as pathogenic or been reported as benign to our knowledge. This variant is not observed at a significant frequency in large population cohorts (Lek et al., 2016; 1000 Genomes Consortium et al., 2015; Exome Variant Server). The E3122K variant is a non-conservative amino acid substitution, which is likely to impact secondary protein structure as these residues differ in polarity, charge, size and/or other properties. However, this substitution occurs at a position that is not conserved across species, and 2/3 in silico algorithms predict this variant likely does not alter the protein structure/function.

NM_001367624.2(ZNF469):c.9448G>A (p.Glu3150Lys)

Gene: ZNF469 (zinc finger protein 469; plus strand). Cytogenetic location: 16q24.2.
Variant type: single nucleotide variant.
Coding change: c.9448G>A on transcript NM_001367624.2 (MANE Select); coding-DNA position 9448, G replaced by A.
Protein change: p.Glu3150Lys; replaces glutamic acid 3150 with lysine.
Molecular consequence: missense variant.
Genome position (GRCh38, 1-based): chr16:88,436,918, G>A. VCF-style: chr16-88436918-G-A. GRCh37 (hg19) VCF-style: chr16-88503326-G-A.
Other names: short protein forms E3150K.
Identifiers: ClinVar variation 429827 (VCV000429827.21), dbSNP rs777096338, ClinGen allele CA8225433.